The following is an entry in ClinVar:

ClinVar aggregate classification (germline): Pathogenic/Likely pathogenic. Review status: criteria provided, multiple submitters, no conflicts (2 of 4 stars). 2 submissions from 2 submitters: Pathogenic (1); Likely pathogenic (1). Last evaluated 2026-09-29.

Conditions:
Neurofibromatosis, type 1 (NF1). Also called: VON RECKLINGHAUSEN DISEASE; Peripheral type neurofibromatosis; NEUROFIBROMATOSIS, TYPE I, SOMATIC; Neurofibromatosis, type I. Identifiers: Orphanet 636, MedGen C0027831, MONDO:0018975, OMIM 162200. Disease mechanism: loss of function.

Submissions (2):

Myriad Genetics, Inc.
Classification: Likely pathogenic for Neurofibromatosis, type 1. Last evaluated: 2026-09-29. Review status: criteria provided, single submitter. Criteria: Myriad Autosomal Dominant, Autosomal Recessive and X-Linked Classification Criteria (2023). Collection method: clinical testing. Allele origin: unknown.
Comment: This variant is considered likely pathogenic. This variant has been reported in multiple individuals with clinical features of gene-specific disease [PMID 31776437, 37751797, 26056819; Myriad internal data].

Labcorp Genetics (formerly Invitae), Labcorp
Classification: Pathogenic for Neurofibromatosis, type 1. Last evaluated: 2025-01-20. Review status: criteria provided, single submitter. Criteria: Invitae Variant Classification Sherloc (09022015). Collection method: clinical testing. Allele origin: germline.
Comment: This sequence change replaces glycine, which is neutral and non-polar, with arginine, which is basic and polar, at codon 2376 of the NF1 protein (p.Gly2376Arg). This variant also falls at the last nucleotide of exon 47, which is part of the consensus splice site for this exon. This variant is not present in population databases (gnomAD no frequency). This missense change has been observed in individuals with clinical features of NF1-related conditions (PMID: 31776437; internal data). ClinVar contains an entry for this variant (Variation ID: 578365). An algorithm developed to predict the effect of missense changes on protein structure and function (PolyPhen-2) suggests that this variant is likely to be disruptive. Variants that disrupt the consensus splice site are a relatively common cause of aberrant splicing (PMID: 17576681, 9536098). Algorithms developed to predict the effect of sequence changes on RNA splicing suggest that this variant may disrupt the consensus splice site. This variant disrupts the c.7126G nucleotide in the NF1 gene. Other variant(s) that disrupt this nucleotide have been determined to be pathogenic (PMID: 26056819, 28961165, 30290804). This suggests that this nucleotide is clinically significant, and that variants that disrupt this position are likely to be disease-causing. For these reasons, this variant has been classified as Pathogenic.

Literature cited by the submitters: PubMed 31776437 (cited by Myriad Genetics, Inc. and Labcorp Genetics (formerly Invitae), Labcorp); PubMed 37751797 (cited by Myriad Genetics, Inc.); PubMed 26056819 (cited by Myriad Genetics, Inc. and Labcorp Genetics (formerly Invitae), Labcorp); PubMed 17576681 (cited by Labcorp Genetics (formerly Invitae), Labcorp); PubMed 9536098 (cited by Labcorp Genetics (formerly Invitae), Labcorp); PubMed 28961165 (cited by Labcorp Genetics (formerly Invitae), Labcorp); PubMed 30290804 (cited by Labcorp Genetics (formerly Invitae), Labcorp).

NM_001042492.3(NF1):c.7189G>C (p.Gly2397Arg)

Gene: NF1 (neurofibromin 1; plus strand). Cytogenetic location: 17q11.2.
Variant type: single nucleotide variant.
Coding change: c.7189G>C on transcript NM_001042492.3 (MANE Select); coding-DNA position 7189, G replaced by C.
Protein change: p.Gly2397Arg; replaces glycine 2397 with arginine.
Molecular consequence: missense variant.
Genome position (GRCh38, 1-based): chr17:31,343,135, G>C. VCF-style: chr17-31343135-G-C. GRCh37 (hg19) VCF-style: chr17-29670153-G-C.
Other names: c.7126G>C, p.Gly2376Arg (NM_000267.4); short protein forms G2376R, G2397R.
Identifiers: ClinVar variation 578365 (VCV000578365.7), dbSNP rs1135402900, ClinGen allele CA399015791.
Genomic context (GRCh38, chr17:31,343,135, plus strand): 5'-TTTGTTGGACTCAATTTCAACTCTAACTTTAACTTTGCATTGGTTGGACACCTTTTAAAA[G>C]GTAAAAAAGCCTTATTTAGAATATTTTTATGAAGTACTATTAAGAAACCAGAAGTAATTT-3'
Protein context (NP_001035957.1, residues 2387-2407): NFALVGHLLK[Gly2397Arg]YRHPSPAIVA